The following is an entry in ClinVar:

NM_001164508.2(NEB):c.25174G>T (p.Glu8392Ter)

Genes: NEB (nebulin; minus strand), RIF1 (replication timing regulatory factor 1; plus strand). Cytogenetic location: 2q23.3.
Variant type: single nucleotide variant.
Coding change: c.25174G>T on transcript NM_001164508.2 (MANE Select); coding-DNA position 25174, G replaced by T.
Protein change: p.Glu8392Ter; replaces glutamic acid 8392 with a stop codon.
Molecular consequence: nonsense.
Genome position (GRCh38, 1-based): chr2:151,490,495, C>A on the plus strand (G>T on the coding strand, the complement: NEB is on the minus strand). VCF-style: chr2-151490495-C-A. GRCh37 (hg19) VCF-style: chr2-152347009-C-A.
Other names: E6636*; NM_001164508.2(NEB):c.25174G>T; p.Glu8392Ter; c.25174G>T, p.Glu8392Ter (NM_001164507.2); c.25279G>T, p.Glu8427Ter (NM_001271208.2); c.19606G>T, p.Glu6536Ter (NM_004543.5); short protein forms E6536*, E8392*, E8427*.
Identifiers: ClinVar variation 14050 (VCV000014050.3), dbSNP rs121913662, ClinGen allele CA257071.

ClinVar aggregate classification (germline): Likely pathogenic. Review status: criteria provided, single submitter (1 of 4 stars). 2 submissions from 2 submitters: Likely pathogenic (1). 1 of the submissions does not count toward it. Last evaluated 2025-02-24.

Conditions:
Nemaline myopathy 2 (NEM2). Also called: Nemaline myopathy 2, autosomal recessive. Identifiers: MedGen C1850569, MONDO:0009725, OMIM 256030.
Nemaline myopathy. Also called: Myopathies, Nemaline. Identifiers: Orphanet 607, MedGen C0206157, MONDO:0018958.

gnomAD v4.1: 1 of 1,609,340 alleles (0.000062%); highest among the groups gnomAD compares: South Asian, 0.0011%; no homozygotes.

Submissions (2):

Broad Center for Mendelian Genomics, Broad Institute of MIT and Harvard
Classification: Likely pathogenic for Nemaline myopathy. Last evaluated: 2025-02-24. Review status: criteria provided, single submitter. Criteria: ACMG Guidelines, 2015. Collection method: curation. Allele origin: germline. Inheritance: Autosomal recessive inheritance.
Comment: The p.Glu8392Ter variant in NEB has been reported, in the homozygous state, in one individual with nemaline myopathy (PMID: 10051637), and has been identified in 0.001% (1/89678) of South Asian chromosomes by the Genome Aggregation Database (gnomAD; dbSNP ID: rs121913662). Although this variant has been seen in the general population in a heterozygous state, its frequency is low enough to be consistent with a recessive carrier frequency. This variant has also been reported in ClinVar (Variation ID: 14050) and has been interpreted as pathogenic by OMIM. This nonsense variant leads to a premature termination codon at position 8392, which is predicted to lead to a truncated or absent protein. Computational tools predict a splicing impact, though this information is not predictive enough to determine pathogenicity. This variant is in an in-frame exon and is more likely to escape nonsense mediated decay (NMD) and result in a truncated protein. In-frame exon skipping of the NEB gene is an established disease mechanism in autosomal recessive nemaline myopathy. In summary, although additional studies are required to fully establish its clinical significance, this variant is likely pathogenic for autosomal recessive nemaline myopathy. ACMG/AMP Criteria applied: PVS1_strong, PM2_supporting, PM3_supporting (Richards 2015).

OMIM
Classification: Pathogenic for NEMALINE MYOPATHY 2. Last evaluated: 1999-03-02. Review status: no assertion criteria provided. Collection method: literature only. Allele origin: germline. Not counted in ClinVar's aggregate classification.

Literature cited by the submitters: PubMed 10051637 (cited by OMIM).